The following is an entry in ClinVar:

NM_017947.4(MOCOS):c.2514+7G>A

Gene: MOCOS (molybdenum cofactor sulfurase; plus strand). Cytogenetic location: 18q12.2.
Variant type: single nucleotide variant.
Coding change: c.2514+7G>A on transcript NM_017947.4 (MANE Select); 7 bases into the intron after coding-DNA position 2514, G replaced by A.
Molecular consequence: intron variant.
Genome position (GRCh38, 1-based): chr18:36,266,860, G>A. VCF-style: chr18-36266860-G-A. GRCh37 (hg19) VCF-style: chr18-33846823-G-A.
Identifiers: ClinVar variation 4989562 (VCV004989562.1).

ClinVar aggregate classification (germline): Likely benign (1 of 4 stars; one submission).

Conditions:
MOCOS-related disorder. Also called: MOCOS-related condition.

gnomAD v4.1: 39 of 1,608,418 alleles (0.0024%); highest among the groups gnomAD compares: East Asian, 0.0089%; no homozygotes.

Submission:

PreventionGenetics, part of Exact Sciences
Classification: Likely benign for MOCOS-related condition. Last evaluated: 2026-05-19. Review status: criteria provided, single submitter. Criteria: ACMG Guidelines, 2015. Collection method: clinical testing. Allele origin: germline.
Comment: This variant is classified as likely benign based on ACMG/AMP sequence variant interpretation guidelines (Richards et al. 2015 PMID: 25741868, with internal and published modifications).